The following is an entry in ClinVar:

NM_022124.6(CDH23):c.3232G>C (p.Val1078Leu)

Genes: C10orf105 (chromosome 10 open reading frame 105; minus strand), CDH23 (cadherin related 23; plus strand). Cytogenetic location: 10q22.1.
Variant type: single nucleotide variant.
Coding change: c.3232G>C on transcript NM_022124.6 (MANE Select); coding-DNA position 3232, G replaced by C.
Protein change: p.Val1078Leu; replaces valine 1078 with leucine.
Molecular consequence: missense variant. On other transcripts: 3 prime UTR variant (2).
Genome position (GRCh38, 1-based): chr10:71,712,676, G>C. VCF-style: chr10-71712676-G-C. GRCh37 (hg19) VCF-style: chr10-73472433-G-C.
Other names: c.*3260C>G (NM_001164375.3, NM_001168390.2); c.3232G>C, p.Val1078Leu (NM_001171930.2); short protein forms V1078L.
Identifiers: ClinVar variation 1524508 (VCV001524508.6), dbSNP rs562859768, ClinGen allele CA209465085.

ClinVar aggregate classification (germline): Uncertain significance. Review status: criteria provided, multiple submitters, no conflicts (2 of 4 stars). 4 submissions from 4 submitters: Uncertain significance (4). Last evaluated 2025-07-11.

Conditions:
Inborn genetic diseases. Identifiers: MedGen C0950123, MeSH D030342.

gnomAD v4.1: 10 of 1,613,528 alleles (0.00062%); highest among the groups gnomAD compares: African/African-American, 0.011%; no homozygotes.

Submissions (4):

GeneDx
Classification: Uncertain significance. Last evaluated: 2025-07-11. Review status: criteria provided, single submitter. Criteria: GeneDx Variant Classification Process June 2021. Collection method: clinical testing. Allele origin: germline. Affected: yes.
Comment: In silico analysis suggests that this missense variant does not alter protein structure/function; Has not been previously published as pathogenic or benign to our knowledge

Ambry Genetics
Classification: Uncertain significance for Inborn genetic diseases. Last evaluated: 2024-02-21. Review status: criteria provided, single submitter. Criteria: Ambry Variant Classification Scheme 2023. Collection method: clinical testing. Allele origin: germline.

Blueprint Genetics
Classification: Uncertain significance. Last evaluated: 2023-05-19. Review status: criteria provided, single submitter. Criteria: ACMG Guidelines, 2015. Collection method: clinical testing. Allele origin: germline.

Labcorp Genetics (formerly Invitae), Labcorp
Classification: Uncertain significance. Last evaluated: 2022-10-31. Review status: criteria provided, single submitter. Criteria: Invitae Variant Classification Sherloc (09022015). Collection method: clinical testing. Allele origin: germline.
Comment: This sequence change replaces valine, which is neutral and non-polar, with leucine, which is neutral and non-polar, at codon 1078 of the CDH23 protein (p.Val1078Leu). This variant is present in population databases (rs562859768, gnomAD 0.02%). This variant has not been reported in the literature in individuals affected with CDH23-related conditions. ClinVar contains an entry for this variant (Variation ID: 1524508). Advanced modeling of protein sequence and biophysical properties (such as structural, functional, and spatial information, amino acid conservation, physicochemical variation, residue mobility, and thermodynamic stability) performed at Invitae indicates that this missense variant is not expected to disrupt CDH23 protein function. In summary, the available evidence is currently insufficient to determine the role of this variant in disease. Therefore, it has been classified as a Variant of Uncertain Significance.